The following is an entry in ClinVar:

ClinVar aggregate classification (germline): Conflicting classifications of pathogenicity. Review status: criteria provided, conflicting classifications (1 of 4 stars). 9 submissions from 9 submitters: Uncertain significance (4); Likely benign (2). 3 of the submissions do not count toward it. Last evaluated 2026-02-04.

Conditions:
USH2A-related disorder. Also called: USH2A-related condition; USH2A-related disorders. Identifiers: MedGen CN239332.
Retinal dystrophy. Also called: Inherited retinal dystrophy. Identifiers: Orphanet 71862, MedGen C0854723, MeSH D058499, MONDO:0019118, HP:0000556.
Usher syndrome type 2A. Also called: RETINAL DISEASE IN USHER SYNDROME TYPE IIA, MODIFIER OF; USHER SYNDROME, TYPE IIA. Identifiers: Orphanet 231178, Orphanet 886, MedGen C1848634, MONDO:0010169, OMIM 276901.

Allele frequency attached by ClinVar (database versions not stated): gnomAD exomes 0.00018; ExAC 0.00023; ESP Exome Variant Server 0.00069; TOPMed 0.00097; gnomAD 0.00099 and 0.00100; 1000 Genomes Project 0.00100; 1000 Genomes Project 30x 0.00141.
gnomAD v4.1: 269 of 1,613,248 alleles (0.017%); highest among the groups gnomAD compares: African/African-American, 0.31%; 2 homozygotes.

Submissions (9):

Labcorp Genetics (formerly Invitae), Labcorp
Classification: Likely benign. Last evaluated: 2026-02-04. Review status: criteria provided, single submitter. Criteria: Invitae Variant Classification Sherloc (09022015). Collection method: clinical testing. Allele origin: germline.

GeneDx
Classification: Uncertain significance. Last evaluated: 2025-03-03. Review status: criteria provided, single submitter. Criteria: GeneDx Variant Classification Process June 2021. Collection method: clinical testing. Allele origin: germline. Affected: yes.
Comment: Observed in a family with hearing loss who harbored other variants in USH2A, as well as a homozygous variant in OTOF considered to be causative by the authors (PMID: 33528103); In silico analysis supports that this missense variant has a deleterious effect on protein structure/function; This variant is associated with the following publications: (PMID: 33528103)

Blueprint Genetics
Classification: Likely benign. Last evaluated: 2024-09-04. Review status: criteria provided, single submitter. Criteria: ACMG Guidelines, 2015. Collection method: clinical testing. Allele origin: germline.

Women's Health and Genetics/Laboratory Corporation of America, LabCorp
Classification: Uncertain significance. Last evaluated: 2024-05-15. Review status: criteria provided, single submitter. Criteria: LabCorp Variant Classification Summary - May 2015. Collection method: clinical testing. Allele origin: germline.
Comment: Variant summary: USH2A c.4796G>A (p.Gly1599Asp) results in a non-conservative amino acid change in the encoded protein sequence. Three of five in-silico tools predict a damaging effect of the variant on protein function. The variant allele was found at a frequency of 0.00018 in 250982 control chromosomes (gnomAD). This frequency is not significantly higher than estimated for a pathogenic variant in USH2A causing Usher Syndrome (0.00018 vs 0.011), allowing no conclusion about variant significance. c.4796G>A has been reported in the literature in an individual affected with hearing impairment who also had other co-occurring variants, including a pathogenic variant that was considered causal (OTOF c.766-2A>G). This report does not provide unequivocal conclusions about association of the variant with Usher Syndrome. To our knowledge, no experimental evidence demonstrating an impact on protein function has been reported. The following publication has been ascertained in the context of this evaluation (PMID: 33528103). ClinVar contains an entry for this variant (Variation ID: 195788). Based on the evidence outlined above, the variant was classified as uncertain significance.

ARUP Laboratories, Molecular Genetics and Genomics, ARUP Laboratories
Classification: Uncertain significance. Last evaluated: 2018-08-21. Review status: criteria provided, single submitter. Criteria: ARUP Molecular Germline Variant Investigation Process. Collection method: clinical testing. Allele origin: germline.
Comment: The USH2A c.4796G>A; p.Gly1599Asp variant (rs148153079), to our knowledge, is not reported in the medical literature. The variant is listed in the ClinVar database (Variation ID: 195788) and in the African population with an overall allele frequency of 0.2% (60/24028 alleles) in the Genome Aggregation Database. The glycine at codon 1599 is weakly conserved and computational analyses (SIFT: Deleterious, PolyPhen-2: Benign) predict conflicting effects of this variant on protein structure/function. Considering available information, the clinical significance of this variant cannot be determined. Pathogenic USH2A variants are causative for autosomal recessive Usher syndrome (MIM: 276901) or retinitis pigmentosa (MIM: 613809).

Eurofins Ntd Llc (ga)
Classification: Uncertain significance. Last evaluated: 2017-02-15. Review status: criteria provided, single submitter. Criteria: EGL Classification Definitions 2015. Collection method: clinical testing. Allele origin: germline. Observed: 3 variant alleles, 3 heterozygotes.

PreventionGenetics, part of Exact Sciences
Classification: Likely benign for USH2A-related condition. Last evaluated: 2023-11-20. Review status: no assertion criteria provided. Collection method: clinical testing. Allele origin: germline. Not counted in ClinVar's aggregate classification.
Comment: This variant is classified as likely benign based on ACMG/AMP sequence variant interpretation guidelines (Richards et al. 2015 PMID: 25741868, with internal and published modifications).

Institute of Human Genetics, Univ. Regensburg, Univ. Regensburg
Classification: Uncertain significance for Retinal dystrophy. Last evaluated: 2023-01-01. Review status: no assertion criteria provided. Criteria: ACMG Guidelines, 2015. Collection method: clinical testing. Allele origin: germline. Affected: yes. Not counted in ClinVar's aggregate classification.

Natera, Inc.
Classification: Uncertain significance for Usher syndrome type 2A. Last evaluated: 2019-11-11. Review status: no assertion criteria provided. Collection method: clinical testing. Allele origin: germline. Not counted in ClinVar's aggregate classification.

Literature cited by the submitters: PubMed 33528103 (cited by Women's Health and Genetics/Laboratory Corporation of America, LabCorp).

NM_206933.4(USH2A):c.4796G>A (p.Gly1599Asp)

Gene: USH2A (usherin; minus strand). Cytogenetic location: 1q41.
Variant type: single nucleotide variant.
Coding change: c.4796G>A on transcript NM_206933.4 (MANE Select); coding-DNA position 4796, G replaced by A.
Protein change: p.Gly1599Asp; replaces glycine 1599 with aspartic acid.
Molecular consequence: missense variant.
Genome position (GRCh38, 1-based): chr1:216,089,102, C>T on the plus strand (G>A on the coding strand, the complement: USH2A is on the minus strand). VCF-style: chr1-216089102-C-T. GRCh37 (hg19) VCF-style: chr1-216262444-C-T.
Other names: short protein forms G1599D.
Identifiers: ClinVar variation 195788 (VCV000195788.38), dbSNP rs148153079, ClinGen allele CA242379.